The following is an entry in ClinVar:

ClinVar aggregate classification (germline): Uncertain significance (1 of 4 stars; one submission).

Submission:

Ambry Genetics
Classification: Uncertain significance. Last evaluated: 2022-04-07. Review status: criteria provided, single submitter. Criteria: Ambry Variant Classification Scheme 2023. Collection method: clinical testing. Allele origin: germline.
Comment: The p.V81L variant (also known as c.241G>C), located in coding exon 1 of the MLH3 gene, results from a G to C substitution at nucleotide position 241. The valine at codon 81 is replaced by leucine, an amino acid with highly similar properties. This amino acid position is conserved. In addition, this alteration is predicted to be tolerated by in silico analysis. Since supporting evidence is limited at this time, the clinical significance of this alteration remains unclear.

NM_001040108.2(MLH3):c.241G>C (p.Val81Leu)

Gene: MLH3 (mutL homolog 3; minus strand). Cytogenetic location: 14q24.3.
Variant type: single nucleotide variant.
Coding change: c.241G>C on transcript NM_001040108.2 (MANE Select); coding-DNA position 241, G replaced by C.
Protein change: p.Val81Leu; replaces valine 81 with leucine.
Molecular consequence: missense variant.
Genome position (GRCh38, 1-based): chr14:75,049,415, C>G on the plus strand (G>C on the coding strand, the complement: MLH3 is on the minus strand). VCF-style: chr14-75049415-C-G. GRCh37 (hg19) VCF-style: chr14-75516118-C-G.
Other names: c.241G>C, p.Val81Leu (NM_014381.3); short protein forms V81L.
Identifiers: ClinVar variation 1791002 (VCV001791002.2), dbSNP rs2139610437, ClinGen allele CA390451270.
Genomic context (GRCh38, chr14:75,049,415, plus strand): 5'-CAATATTTGCCAAGGCCTCTCCTCGGAAACCATAAAACCTTGGATTCTCCAAGTCCTGTA[C>G]CGAGTGGCATTTACTGGTGAAATAACGATTTCCCACTTTCTCTACATCATCACTCCCCAT-3'
Protein context (NP_001035197.1, residues 71-91): NRYFTSKCHS[Val81Leu]QDLENPRFYG